The following is an entry in ClinVar:

NM_177438.3(DICER1):c.1047C>G (p.Asp349Glu)

Gene: DICER1 (dicer 1, ribonuclease III; minus strand). Cytogenetic location: 14q32.13.
Variant type: single nucleotide variant.
Coding change: c.1047C>G on transcript NM_177438.3 (MANE Select); coding-DNA position 1047, C replaced by G.
Protein change: p.Asp349Glu; replaces aspartic acid 349 with glutamic acid.
Molecular consequence: missense variant. On other transcripts: 5 prime UTR variant (1), non-coding transcript variant (6).
Genome position (GRCh38, 1-based): chr14:95,124,525, G>C on the plus strand (C>G on the coding strand, the complement: DICER1 is on the minus strand). VCF-style: chr14-95124525-G-C. GRCh37 (hg19) VCF-style: chr14-95590862-G-C.
Other names: c.1047C>G, p.Asp349Glu (NM_001195573.1, NM_001271282.3, NM_001291628.2 and 15 more transcripts); c.765C>G, p.Asp255Glu (NM_001395686.1); c.642C>G, p.Asp214Glu (NM_001395687.1, NM_001395688.1, NM_001395689.1 and 3 more transcripts); c.480C>G, p.Asp160Glu (NM_001395691.1); c.-522C>G (NM_001395697.1); short protein forms D349E, D160E, D255E, D214E.
Identifiers: ClinVar variation 2888799 (VCV002888799.4), dbSNP rs1381966696, ClinGen allele CA390887077.
Genomic context (GRCh38, chr14:95,124,525, plus strand): 5'-GTCAAGTGAGGCAGGTGAGAAGTGCTCTTCACATAGTGCATGTATTTTCCTTAGGAAAGT[G>C]TCTGTAAACAATAAAAATTTCCTGTGCAGCTCCTCTTGCTCATGTTTGATGTATTTCTGT-3'
Protein context (NP_803187.1, residues 339-359): ELHRKFLLFT[Asp349Glu]TFLRKIHALC

ClinVar aggregate classification (germline): Uncertain significance. Review status: criteria provided, multiple submitters, no conflicts (2 of 4 stars). 2 submissions from 2 submitters: Uncertain significance (2). Last evaluated 2024-09-05.

Conditions:
Hereditary cancer-predisposing syndrome. Also called: Neoplastic Syndromes, Hereditary; Tumor predisposition; Hereditary neoplastic syndrome; Hereditary Cancer Syndrome. Identifiers: Orphanet 140162, MedGen C0027672, MeSH D009386, MONDO:0015356.
DICER1-related tumor predisposition. Also called: DICER1-related pleuropulmonary blastoma cancer predisposition syndrome; DICER1 syndrome. Identifiers: Orphanet 284343, MedGen C3839822, MONDO:0100216.

Submissions (2):

Ambry Genetics
Classification: Uncertain significance for Hereditary cancer-predisposing syndrome. Last evaluated: 2024-09-05. Review status: criteria provided, single submitter. Criteria: Ambry Variant Classification Scheme 2023. Collection method: clinical testing. Allele origin: germline.
Comment: The p.D349E variant (also known as c.1047C>G), located in coding exon 7 of the DICER1 gene, results from a C to G substitution at nucleotide position 1047. The aspartic acid at codon 349 is replaced by glutamic acid, an amino acid with highly similar properties. This amino acid position is conserved. In addition, this alteration is predicted to be tolerated by in silico analysis. Based on the available evidence, the clinical significance of this variant remains unclear.

Labcorp Genetics (formerly Invitae), Labcorp
Classification: Uncertain significance for DICER1-related tumor predisposition. Last evaluated: 2023-06-23. Review status: criteria provided, single submitter. Criteria: Invitae Variant Classification Sherloc (09022015). Collection method: clinical testing. Allele origin: germline.
Comment: This variant is not present in population databases (gnomAD no frequency). In summary, the available evidence is currently insufficient to determine the role of this variant in disease. Therefore, it has been classified as a Variant of Uncertain Significance. Advanced modeling of protein sequence and biophysical properties (such as structural, functional, and spatial information, amino acid conservation, physicochemical variation, residue mobility, and thermodynamic stability) performed at Invitae indicates that this missense variant is not expected to disrupt DICER1 protein function. This variant has not been reported in the literature in individuals affected with DICER1-related conditions. This sequence change replaces aspartic acid, which is acidic and polar, with glutamic acid, which is acidic and polar, at codon 349 of the DICER1 protein (p.Asp349Glu).